The following is an entry in ClinVar:

NM_001080517.3(SETD5):c.1333C>T (p.Arg445Ter)

Gene: SETD5 (SET domain containing 5; plus strand). Cytogenetic location: 3p25.3.
Variant type: single nucleotide variant.
Coding change: c.1333C>T on transcript NM_001080517.3 (MANE Select); coding-DNA position 1333, C replaced by T.
Protein change: p.Arg445Ter; replaces arginine 445 with a stop codon.
Molecular consequence: nonsense.
Genome position (GRCh38, 1-based): chr3:9,445,193, C>T. VCF-style: chr3-9445193-C-T. GRCh37 (hg19) VCF-style: chr3-9486877-C-T.
Other names: c.1039C>T, p.Arg347Ter (NM_001292043.2, NM_001349451.2); c.1333C>T (NM_001080517.2); short protein forms R445*, R347*.
Identifiers: ClinVar variation 265257 (VCV000265257.11), dbSNP rs886039432, ClinGen allele CA10588373.

ClinVar aggregate classification (germline): Pathogenic. Review status: criteria provided, multiple submitters, no conflicts (2 of 4 stars). 7 submissions from 7 submitters: Pathogenic (7). Last evaluated 2024-11-13.

Conditions:
SETD5-related disorder. Also called: SETD5-related disorders; SETD5-related condition.
Intellectual disability-facial dysmorphism syndrome due to SETD5 haploinsufficiency (MRD23). Also called: Intellectual developmental disorder, autosomal dominant 23. Identifiers: Orphanet 404440, MedGen C3810406, MONDO:0014336, OMIM 615761.

Allele frequency attached by ClinVar (database versions not stated): TOPMed below 0.00001.

Submissions (7):

Blueprint Genetics
Classification: Pathogenic for SETD5-related disorders. Last evaluated: 2024-11-13. Review status: criteria provided, single submitter. Criteria: ACMG Guidelines, 2015. Collection method: clinical testing. Allele origin: germline. Affected: yes. Observed: 2 variant alleles.

Laboratorio de Genetica e Diagnostico Molecular, Hospital Israelita Albert Einstein
Classification: Pathogenic for Intellectual disability-facial dysmorphism syndrome due to SETD5 haploinsufficiency. Last evaluated: 2024-10-15. Review status: criteria provided, single submitter. Criteria: ACMG Guidelines, 2015. Collection method: clinical testing. Allele origin: germline. Affected: yes.
Comment: ACMG classification criteria: PVS1 very strong, PS4 supporting, PM2 supporting

Victorian Clinical Genetics Services, Murdoch Childrens Research Institute
Classification: Pathogenic for Intellectual disability-facial dysmorphism syndrome due to SETD5 haploinsufficiency. Last evaluated: 2024-10-10. Review status: criteria provided, single submitter. Criteria: ACMG Guidelines, 2015. Collection method: clinical testing. Allele origin: germline. Inheritance: Autosomal dominant inheritance. Affected: yes.
Comment: Based on the classification scheme VCGS_Germline_v1.3.4, this variant is classified as Pathogenic. Following criteria are met: 0102 - Loss of function is a known mechanism of disease in this gene and is associated with intellectual developmental disorder, autosomal dominant 23 (MIM#615761). (I) 0107 - This gene is associated with autosomal dominant disease. (I) 0115 - Variants in this gene are known to have variable expressivity. Intra-familial variability has been reported (PMIDs: 28881385, 27375234). (I) 0201 - Variant is predicted to cause nonsense-mediated decay (NMD) and loss of protein (premature termination codon is located at least 54 nucleotides upstream of the final exon-exon junction). (SP) 0251 - This variant is heterozygous. (I) 0301 - Variant is absent from gnomAD (v2, v3 and v4). (SP) 0701 - Other variants predicted to cause NMD comparable to the one identified in this case have very strong previous evidence for pathogenicity (DECIPHER). (SP) 0802 - This variant has moderate previous evidence of pathogenicity in unrelated individuals. It is regarded as pathogenic by diagnostic laboratories in ClinVar and has been reported in an individual with syndromic intellectual disability (PMID: 24680889). (SP) Legend: (SP) - Supporting pathogenic, (I) - Information, (SB) - Supporting benign

Dasa
Classification: Pathogenic. Last evaluated: 2024-09-09. Review status: criteria provided, single submitter. Criteria: DASA Assertion Criteria. Collection method: clinical testing. Allele origin: germline.
Comment: NM_001080517.3(SETD5):c.1333C>T (p.Arg445*) introduces a premature termination codon predicted to result in loss of normal protein function. Loss-of-function is an established mechanism of disease for this gene. Based on the available data, this variant is classified as pathogenic.

GeneDx
Classification: Pathogenic. Last evaluated: 2021-11-11. Review status: criteria provided, single submitter. Criteria: GeneDx Variant Classification Process June 2021. Collection method: clinical testing. Allele origin: germline. Affected: yes.
Comment: Reported in an individual with intellectual disability (Grozeva D et al., 2014); Nonsense variant predicted to result in protein truncation or nonsense mediated decay in a gene for which loss-of-function is a known mechanism of disease; Not observed in large population cohorts (gnomAD); This variant is associated with the following publications: (PMID: 29484850, 27375234, 28905509, 28991257, 32368696, 24680889)

Baylor Genetics
Classification: Pathogenic for Intellectual disability-facial dysmorphism syndrome due to SETD5 haploinsufficiency. Last evaluated: 2021-01-25. Review status: criteria provided, single submitter. Criteria: ACMG Guidelines, 2015. Collection method: clinical testing. Allele origin: unknown.

Institute of Medical Genetics and Applied Genomics, University Hospital Tübingen
Classification: Pathogenic. Last evaluated: 2020-10-23. Review status: criteria provided, single submitter. Criteria: ACMG Guidelines, 2015. Collection method: clinical testing. Allele origin: germline. Inheritance: Autosomal dominant inheritance. Affected: yes.

Literature cited by the submitters: PubMed 24680889 (cited by Victorian Clinical Genetics Services, Murdoch Childrens Research Institute); PubMed 27375234 (cited by Victorian Clinical Genetics Services, Murdoch Childrens Research Institute); PubMed 28881385 (cited by Victorian Clinical Genetics Services, Murdoch Childrens Research Institute).